The following is an entry in ClinVar:

NM_001110556.2(FLNA):c.4851C>T (p.Thr1617=)

Gene: FLNA (filamin A; minus strand). Cytogenetic location: Xq28.
Variant type: single nucleotide variant.
Coding change: c.4851C>T on transcript NM_001110556.2 (MANE Select); coding-DNA position 4851, C replaced by T.
Protein change: p.Thr1617=; no amino-acid change (threonine 1617 retained).
Molecular consequence: synonymous variant.
Genome position (GRCh38, 1-based): chrX:154,357,528, G>A on the plus strand (C>T on the coding strand, the complement: FLNA is on the minus strand). VCF-style: chrX-154357528-G-A. GRCh37 (hg19) VCF-style: chrX-153585896-G-A.
Other names: c.4851C>T, p.Thr1617= (NM_001456.4).
Identifiers: ClinVar variation 390791 (VCV000390791.1), dbSNP rs782766492, ClinGen allele CA10560455.

ClinVar aggregate classification (germline): Likely benign (1 of 4 stars; one submission).

Allele frequency attached by ClinVar (database versions not stated): gnomAD exomes below 0.00001 and 0.00001; ExAC 0.00001.
gnomAD v4.1: 3 of 1,211,473 alleles (0.00025%); highest among the groups gnomAD compares: Non-Finnish European, 0.00034%; no homozygotes.

Submission:

GeneDx
Classification: Likely benign. Last evaluated: 2016-11-15. Review status: criteria provided, single submitter. Criteria: GeneDx Variant Classification (06012015). Collection method: clinical testing. Allele origin: germline. Affected: yes.
Comment: This variant is considered likely benign or benign based on one or more of the following criteria: it is a conservative change, it occurs at a poorly conserved position in the protein, it is predicted to be benign by multiple in silico algorithms, and/or has population frequency not consistent with disease.